The following is an entry in ClinVar:

ClinVar aggregate classification (germline): Uncertain significance. Review status: criteria provided, multiple submitters, no conflicts (2 of 4 stars). 3 submissions from 3 submitters: Uncertain significance (3). Last evaluated 2024-10-17.

Conditions:
Inborn genetic diseases. Identifiers: MedGen C0950123, MeSH D030342.

Allele frequency attached by ClinVar (database versions not stated): ExAC 0.00001; gnomAD 0.00001; gnomAD exomes 0.00001 and 0.00005; TOPMed 0.00001.
gnomAD v4.1: 81 of 1,613,946 alleles (0.005%); highest among the groups gnomAD compares: Non-Finnish European, 0.0062%; no homozygotes.

Submissions (3):

Blueprint Genetics
Classification: Uncertain significance. Last evaluated: 2024-10-17. Review status: criteria provided, single submitter. Criteria: ACMG Guidelines, 2015. Collection method: clinical testing. Allele origin: germline.

Labcorp Genetics (formerly Invitae), Labcorp
Classification: Uncertain significance. Last evaluated: 2022-10-25. Review status: criteria provided, single submitter. Criteria: Invitae Variant Classification Sherloc (09022015). Collection method: clinical testing. Allele origin: germline.
Comment: This sequence change replaces glutamic acid, which is acidic and polar, with glycine, which is neutral and non-polar, at codon 1758 of the ABCA4 protein (p.Glu1758Gly). This variant is present in population databases (rs779399010, gnomAD 0.002%). This variant has not been reported in the literature in individuals affected with ABCA4-related conditions. ClinVar contains an entry for this variant (Variation ID: 955425). Advanced modeling of protein sequence and biophysical properties (such as structural, functional, and spatial information, amino acid conservation, physicochemical variation, residue mobility, and thermodynamic stability) performed at Invitae indicates that this missense variant is not expected to disrupt ABCA4 protein function. In summary, the available evidence is currently insufficient to determine the role of this variant in disease. Therefore, it has been classified as a Variant of Uncertain Significance.

Ambry Genetics
Classification: Uncertain significance for Inborn genetic diseases. Last evaluated: 2022-01-18. Review status: criteria provided, single submitter. Criteria: Ambry Variant Classification Scheme 2023. Collection method: clinical testing. Allele origin: germline.

NM_000350.3(ABCA4):c.5273A>G (p.Glu1758Gly)

Gene: ABCA4 (ATP binding cassette subfamily A member 4; minus strand). Cytogenetic location: 1p22.1.
Variant type: single nucleotide variant.
Coding change: c.5273A>G on transcript NM_000350.3 (MANE Select); coding-DNA position 5273, A replaced by G.
Protein change: p.Glu1758Gly; replaces glutamic acid 1758 with glycine.
Molecular consequence: missense variant.
Genome position (GRCh38, 1-based): chr1:94,015,778, T>C on the plus strand (A>G on the coding strand, the complement: ABCA4 is on the minus strand). VCF-style: chr1-94015778-T-C. GRCh37 (hg19) VCF-style: chr1-94481334-T-C.
Other names: c.5051A>G, p.Glu1684Gly (NM_001425324.1); short protein forms E1758G, E1684G.
Identifiers: ClinVar variation 955425 (VCV000955425.9), dbSNP rs779399010, ClinGen allele CA957331.